The following is an entry in ClinVar:

NM_001276.4(CHI3L1):c.433A>G (p.Arg145Gly)

Gene: CHI3L1 (chitinase 3 like 1; minus strand). Cytogenetic location: 1q32.1.
Variant type: single nucleotide variant.
Coding change: c.433A>G on transcript NM_001276.4 (MANE Select); coding-DNA position 433, A replaced by G.
Protein change: p.Arg145Gly; replaces arginine 145 with glycine.
Molecular consequence: missense variant.
Genome position (GRCh38, 1-based): chr1:203,183,673, T>C on the plus strand (A>G on the coding strand, the complement: CHI3L1 is on the minus strand). VCF-style: chr1-203183673-T-C. GRCh37 (hg19) VCF-style: chr1-203152801-T-C.
Other names: short protein forms R145G.
Identifiers: ClinVar variation 3900037 (VCV003900037.1).

ClinVar aggregate classification (germline): drug response (0 of 4 stars; one submission).

Conditions:
Thalidomide response. Identifiers: MedGen CN297989.

gnomAD v4.1: 790,728 of 1,613,670 alleles (49%); highest among the groups gnomAD compares: Non-Finnish European, 52%; 199,632 homozygotes.

Submission:

Rare Diseases Genetics and Genomics, Islamia College Peshawar
Classification: drug response for Thalidomide response. Review status: no assertion criteria provided. Collection method: research. Allele origin: germline. Affected: yes.
Comment: this variant was associated with excellent response to thalidomide (achieving transfusion independence)